The following is an entry in ClinVar:

NM_000238.4(KCNH2):c.2800G>T (p.Gly934Cys)

Gene: KCNH2 (potassium voltage-gated channel subfamily H member 2; minus strand). Cytogenetic location: 7q36.1.
Variant type: single nucleotide variant.
Coding change: c.2800G>T on transcript NM_000238.4 (MANE Select); coding-DNA position 2800, G replaced by T.
Protein change: p.Gly934Cys; replaces glycine 934 with cysteine.
Molecular consequence: missense variant.
Genome position (GRCh38, 1-based): chr7:150,947,771, C>A on the plus strand (G>T on the coding strand, the complement: KCNH2 is on the minus strand). VCF-style: chr7-150947771-C-A. GRCh37 (hg19) VCF-style: chr7-150644859-C-A.
Other names: c.2512G>T, p.Gly838Cys (NM_001406753.1); c.1780G>T, p.Gly594Cys (NM_172057.3); short protein forms G594C, G838C, G934C.
Identifiers: ClinVar variation 2901043 (VCV002901043.4), dbSNP rs2486007620, ClinGen allele CA369853376.

ClinVar aggregate classification (germline): Uncertain significance. Review status: criteria provided, multiple submitters, no conflicts (2 of 4 stars). 2 submissions from 2 submitters: Uncertain significance (2). Last evaluated 2023-12-13.

Conditions:
Long QT syndrome (LQTS). Identifiers: MedGen C0023976, MeSH D008133, MONDO:0002442. Disease mechanism: loss of function. Inheritance: Various modes of inheritance.

Submissions (2):

All of Us Research Program, National Institutes of Health
Classification: Uncertain significance for Long QT syndrome. Last evaluated: 2023-12-13. Review status: criteria provided, single submitter. Criteria: ACMG Guidelines, 2015. Collection method: clinical testing. Allele origin: germline. Inheritance: Autosomal dominant inheritance. Observed: 1 variant allele, 1 heterozygote.
Comment: This missense variant replaces glycine with cysteine at codon 934 of the KCNH2 protein. Computational prediction is inconclusive regarding the impact of this variant on protein structure and function (internally defined REVEL score threshold 0.5 < inconclusive < 0.7, PMID: 27666373). To our knowledge, functional studies have not been reported for this variant. This variant has not been reported in individuals affected with KCNH2-related disorders in the literature. This variant has not been identified in the general population by the Genome Aggregation Database (gnomAD). The available evidence is insufficient to determine the role of this variant in disease conclusively. Therefore, this variant is classified as a Variant of Uncertain Significance.

This study involves interpretation of variants in research participants for the purpose of population health screening. Participant phenotype was not available at the time of variant classification. Additional details can be found in publication PMID: 35346344, PMCID: PMC8962531

Labcorp Genetics (formerly Invitae), Labcorp
Classification: Uncertain significance for Long QT syndrome. Last evaluated: 2022-12-31. Review status: criteria provided, single submitter. Criteria: Invitae Variant Classification Sherloc (09022015). Collection method: clinical testing. Allele origin: germline.
Comment: In summary, the available evidence is currently insufficient to determine the role of this variant in disease. Therefore, it has been classified as a Variant of Uncertain Significance. Algorithms developed to predict the effect of missense changes on protein structure and function are either unavailable or do not agree on the potential impact of this missense change (SIFT: "Tolerated"; PolyPhen-2: "Probably Damaging"; Align-GVGD: "Class C0"). This variant has not been reported in the literature in individuals affected with KCNH2-related conditions. This variant is not present in population databases (gnomAD no frequency). This sequence change replaces glycine, which is neutral and non-polar, with cysteine, which is neutral and slightly polar, at codon 934 of the KCNH2 protein (p.Gly934Cys).